The following is an entry in ClinVar:

ClinVar aggregate classification (germline): Benign/Likely benign. Review status: criteria provided, multiple submitters, no conflicts (2 of 4 stars). 10 submissions from 10 submitters: Benign (3); Likely benign (6). 1 of the submissions does not count toward it. Last evaluated 2026-01-31.

Conditions:
TSC2-related disorder. Also called: TSC2-Related Disorders; TSC2-related condition.
Isolated focal cortical dysplasia type II (FCORD2). Also called: Focal cortical dysplasia type II; CORTICAL DYSPLASIA OF TAYLOR. Identifiers: Orphanet 268994, MedGen C1846385, MONDO:0011818, OMIM 607341, HP:0032051.
Tuberous sclerosis 2 (TSC2). Identifiers: Orphanet 805, MedGen C1860707, MONDO:0013199, OMIM 613254.
Lymphangiomyomatosis (LAM). Also called: Lymphangioleiomyomatosis; Lymphangioleiomyomatosis, somatic. Identifiers: Orphanet 538, MedGen C0751674, MONDO:0011705, OMIM 606690.
Hereditary cancer-predisposing syndrome. Also called: Tumor predisposition; Hereditary Cancer Syndrome; Hereditary neoplastic syndrome; Neoplastic Syndromes, Hereditary. Identifiers: Orphanet 140162, MedGen C0027672, MeSH D009386, MONDO:0015356.
Tuberous sclerosis syndrome (TSC). Also called: Tuberous Sclerosis Complex; Tuberous sclerosis. Identifiers: Orphanet 805, MedGen C0041341, MONDO:0001734.

Allele frequency attached by ClinVar (database versions not stated): gnomAD exomes 0.00001 and 0.00002; ExAC 0.00002; ESP Exome Variant Server 0.00008; TOPMed 0.00009; gnomAD 0.00010 and 0.00011.
gnomAD v4.1: 36 of 1,611,718 alleles (0.0022%); highest among the groups gnomAD compares: African/African-American, 0.045%; no homozygotes.

Submissions (10):

Labcorp Genetics (formerly Invitae), Labcorp
Classification: Benign for Tuberous sclerosis 2. Last evaluated: 2026-01-31. Review status: criteria provided, single submitter. Criteria: Invitae Variant Classification Sherloc (09022015). Collection method: clinical testing. Allele origin: germline.

Myriad Genetics, Inc.
Classification: Benign for Tuberous sclerosis 2. Last evaluated: 2025-06-09. Review status: criteria provided, single submitter. Criteria: Myriad Autosomal Dominant, Autosomal Recessive and X-Linked Classification Criteria (2023). Collection method: clinical testing. Allele origin: unknown.
Comment: This variant is considered benign. This variant is a silent/synonymous amino acid change and it is not expected to impact splicing.

All of Us Research Program, National Institutes of Health
Classification: Likely benign for Tuberous sclerosis syndrome. Last evaluated: 2023-12-13. Review status: criteria provided, single submitter. Criteria: ACMG Guidelines, 2015. Collection method: clinical testing. Allele origin: germline. Inheritance: Autosomal dominant inheritance. Observed: 6 variant alleles, 6 heterozygotes.
Comment: This study involves interpretation of variants in research participants for the purpose of population health screening. Participant phenotype was not available at the time of variant classification. Additional details can be found in publication PMID: 35346344, PMCID: PMC8962531

Color Diagnostics, LLC DBA Color Health
Classification: Likely benign for Tuberous sclerosis syndrome. Last evaluated: 2022-11-06. Review status: criteria provided, single submitter. Criteria: ACMG Guidelines, 2015. Collection method: clinical testing. Allele origin: germline.

Fulgent Genetics
Classification: Likely benign for Lymphangiomyomatosis; Isolated focal cortical dysplasia type II; Tuberous sclerosis 2. Last evaluated: 2022-01-10. Review status: criteria provided, single submitter. Criteria: ACMG Guidelines, 2015. Collection method: clinical testing. Allele origin: unknown.

Sema4
Classification: Likely benign for Hereditary cancer-predisposing syndrome. Last evaluated: 2021-12-17. Review status: criteria provided, single submitter. Criteria: Sema4 Curation Guidelines. Collection method: curation. Allele origin: germline.

Genome-Nilou Lab
Classification: Benign for Tuberous sclerosis 2. Last evaluated: 2021-11-07. Review status: criteria provided, single submitter. Criteria: ACMG Guidelines, 2015. Collection method: clinical testing. Allele origin: germline. Affected: no.

GeneDx
Classification: Likely benign. Last evaluated: 2020-04-01. Review status: criteria provided, single submitter. Criteria: GeneDx Variant Classification Process June 2021. Collection method: clinical testing. Allele origin: germline. Affected: yes.

Ambry Genetics
Classification: Likely benign for Hereditary cancer-predisposing syndrome. Last evaluated: 2015-08-27. Review status: criteria provided, single submitter. Criteria: Ambry Variant Classification Scheme 2023. Collection method: clinical testing. Allele origin: germline.

PreventionGenetics, part of Exact Sciences
Classification: Likely benign for TSC2-related condition. Last evaluated: 2022-09-22. Review status: no assertion criteria provided. Collection method: clinical testing. Allele origin: germline. Not counted in ClinVar's aggregate classification.
Comment: This variant is classified as likely benign based on ACMG/AMP sequence variant interpretation guidelines (Richards et al. 2015 PMID: 25741868, with internal and published modifications).

NM_000548.5(TSC2):c.5364T>C (p.Tyr1788=)

Gene: TSC2 (TSC complex subunit 2; plus strand). Cytogenetic location: 16p13.3.
Variant type: single nucleotide variant.
Coding change: c.5364T>C on transcript NM_000548.5 (MANE Select); coding-DNA position 5364, T replaced by C.
Protein change: p.Tyr1788=; no amino-acid change (tyrosine 1788 retained).
Molecular consequence: synonymous variant.
Genome position (GRCh38, 1-based): chr16:2,088,550, T>C. VCF-style: chr16-2088550-T-C. GRCh37 (hg19) VCF-style: chr16-2138551-T-C.
Other names: c.5163T>C, p.Tyr1721= (NM_001077183.3); c.5295T>C, p.Tyr1765= (NM_001114382.3); c.5055T>C, p.Tyr1685= (NM_001318827.2); c.5019T>C, p.Tyr1673= (NM_001318829.2); c.4632T>C, p.Tyr1544= (NM_001318831.2); c.5196T>C, p.Tyr1732= (NM_001318832.2); c.5166T>C, p.Tyr1722= (NM_001363528.2); c.5232T>C, p.Tyr1744= (NM_001370404.1); and 3 more.
Identifiers: ClinVar variation 238087 (VCV000238087.38), dbSNP rs367703283, ClinGen allele CA055226.